The following is an entry in ClinVar:

NM_000463.3(UGT1A1):c.622_625dup (p.Arg209fs)

Genes: UGT1A5 (UDP glucuronosyltransferase family 1 member A5; plus strand), UGT1A (UDP glucuronosyltransferase family 1 member A complex locus; plus strand), UGT1A1 (UDP glucuronosyltransferase family 1 member A1; plus strand), UGT1A10 (UDP glucuronosyltransferase family 1 member A10; plus strand), UGT1A3 (UDP glucuronosyltransferase family 1 member A3; plus strand) and 5 more. Cytogenetic location: 2q37.1.
Variant type: Duplication.
Coding change: c.622_625dup on transcript NM_000463.3 (MANE Select); coding-DNA positions 622 to 625, 4 bases duplicated (CAGC; older notation c.622_625dupCAGC).
Protein change: p.Arg209fs; shifts the reading frame from arginine 209.
Molecular consequence: frameshift variant. On other transcripts: intron variant (9).
Genome position (GRCh38, 1-based): chr2:233,760,909-233,760,912, CAGC duplicated. VCF-style (leftmost placement, unchanged base first): chr2-233760908-G-GCAGC. GRCh37 (hg19) VCF-style: chr2-234669554-G-GCAGC.
Other names: c.856-6125_856-6122dup (NM_019076.5, NM_019075.4, NM_021027.3 and 1 more transcripts); c.61-6125_61-6122dup (NM_205862.3); c.862-6125_862-6122dup (NM_001072.4); c.868-6125_868-6122dup (NM_019078.2, NM_007120.3, NM_019093.4); short protein forms R209fs.
Identifiers: ClinVar variation 437209 (VCV000437209.14), dbSNP rs766536479, ClinGen allele CA2179855.

ClinVar aggregate classification (germline): Pathogenic. Review status: criteria provided, multiple submitters, no conflicts (2 of 4 stars). 4 submissions from 4 submitters: Pathogenic (3). 1 of the submissions does not count toward it. Last evaluated 2023-03-18.

Conditions:
Crigler-Najjar syndrome. Identifiers: Orphanet 205, MedGen C5551003, MONDO:0009044.
Crigler-Najjar syndrome type 1. Also called: HYPERBILIRUBINEMIA, CRIGLER-NAJJAR TYPE I. Identifiers: Orphanet 79234, MedGen C0010324, MONDO:0021020, OMIM 218800.

Allele frequency attached by ClinVar (database versions not stated): gnomAD exomes 0.00001; ExAC 0.00002.

Submissions (4):

Labcorp Genetics (formerly Invitae), Labcorp
Classification: Pathogenic. Last evaluated: 2023-03-18. Review status: criteria provided, single submitter. Criteria: Invitae Variant Classification Sherloc (09022015). Collection method: clinical testing. Allele origin: germline.
Comment: This sequence change creates a premature translational stop signal (p.Arg209Profs*50) in the UGT1A1 gene. It is expected to result in an absent or disrupted protein product. Loss-of-function variants in UGT1A1 are known to be pathogenic (PMID: 23290513). This variant is present in population databases (rs766536479, gnomAD 0.01%). This premature translational stop signal has been observed in individual(s) with Crigler-Najjar syndrome type I (PMID: 31145902). ClinVar contains an entry for this variant (Variation ID: 437209). For these reasons, this variant has been classified as Pathogenic.

Genetic Services Laboratory, University of Chicago
Classification: Pathogenic for Crigler-Najjar syndrome. Last evaluated: 2017-05-30. Review status: criteria provided, single submitter. Criteria: ACMG Guidelines, 2015. Collection method: clinical testing. Allele origin: germline. Affected: yes.

Eurofins Ntd Llc (ga)
Classification: Pathogenic. Last evaluated: 2017-02-01. Review status: criteria provided, single submitter. Criteria: EGL Classification Definitions 2015. Collection method: clinical testing. Allele origin: germline. Observed: 1 variant allele, 1 homozygote.

Hong-Tao Li Lab, Institute of Brain Science and Brain-inspired Research, Shandong First Medical University & Shandong Academy of Medical Sciences China
Classification: Pathogenic for Crigler-Najjar syndrome type 1. Review status: no assertion criteria provided. Collection method: research. Allele origin: germline. Inheritance: Autosomal recessive inheritance. Affected: yes. Observed: 1 variant allele, 1 homozygote. Not counted in ClinVar's aggregate classification.
Comment: Observed in affected individuals from a Pakistani neurodevelopmental-disorder research cohort of 263 individuals. Classification assigned using the ACMG/AMP framework. Population-frequency evidence: gnomAD AF 1.193e-05.

Literature cited by the submitters: PubMed 23290513 (cited by Labcorp Genetics (formerly Invitae), Labcorp); PubMed 31145902 (cited by Labcorp Genetics (formerly Invitae), Labcorp).